The following is an entry in ClinVar:

NM_006441.4(MTHFS):c.117+7G>C

Genes: MTHFS (methenyltetrahydrofolate synthetase; minus strand), ST20-MTHFS (ST20-MTHFS readthrough; minus strand). Cytogenetic location: 15q25.1.
Variant type: single nucleotide variant.
Coding change: c.117+7G>C on transcript NM_006441.4 (MANE Select); 7 bases into the intron after coding-DNA position 117, G replaced by C.
Molecular consequence: intron variant. On other transcripts: non-coding transcript variant (1).
Genome position (GRCh38, 1-based): chr15:79,896,865, C>G on the plus strand (G>C on the coding strand, the complement: MTHFS is on the minus strand). VCF-style: chr15-79896865-C-G. GRCh37 (hg19) VCF-style: chr15-80189207-C-G.
Other names: c.46-7511G>C (NM_001199760.2); c.-55+296G>C (NM_001199758.1).
Identifiers: ClinVar variation 1675582 (VCV001675582.41), dbSNP rs544557204, ClinGen allele CA7690376.

ClinVar aggregate classification (germline): Benign/Likely benign. Review status: criteria provided, multiple submitters, no conflicts (2 of 4 stars). 5 submissions from 5 submitters: Benign (1); Likely benign (3). 1 of the submissions does not count toward it. Last evaluated 2026-01-19.

Conditions:
MTHFS-related disorder. Also called: MTHFS-related condition.

Allele frequency attached by ClinVar (database versions not stated): ExAC 0.00091; 1000 Genomes Project 0.00100; 1000 Genomes Project 30x 0.00125; gnomAD exomes 0.00148 and 0.00271.
gnomAD v4.1: 4,013 of 1,542,248 alleles (0.26%); highest among the groups gnomAD compares: Non-Finnish European, 0.33%; 8 homozygotes.

Submissions (5):

Labcorp Genetics (formerly Invitae), Labcorp
Classification: Benign. Last evaluated: 2026-01-19. Review status: criteria provided, single submitter. Criteria: Invitae Variant Classification Sherloc (09022015). Collection method: clinical testing. Allele origin: germline.

CeGaT Center for Human Genetics Tuebingen
Classification: Likely benign. Last evaluated: 2025-10-01. Review status: criteria provided, single submitter. Criteria: CeGaT Center For Human Genetics Tuebingen Variant Classification Criteria Version 2. Collection method: clinical testing. Allele origin: germline. Affected: yes. Observed: 2 variant alleles.
Comment: MTHFS: BP4, BS2

Blueprint Genetics
Classification: Likely benign. Last evaluated: 2024-11-26. Review status: criteria provided, single submitter. Criteria: ACMG Guidelines, 2015. Collection method: clinical testing. Allele origin: germline.

Breakthrough Genomics
Classification: Likely benign. Review status: criteria provided, single submitter. Criteria: ACMG Guidelines, 2015. Collection method: not provided. Allele origin: germline. Inheritance: Autosomal recessive inheritance. Affected: yes.

PreventionGenetics, part of Exact Sciences
Classification: Likely benign for MTHFS-related condition. Last evaluated: 2022-05-19. Review status: no assertion criteria provided. Collection method: clinical testing. Allele origin: germline. Not counted in ClinVar's aggregate classification.
Comment: This variant is classified as likely benign based on ACMG/AMP sequence variant interpretation guidelines (Richards et al. 2015 PMID: 25741868, with internal and published modifications).